The following is an entry in ClinVar:

ClinVar aggregate classification (germline): Uncertain significance (1 of 4 stars; one submission).

Conditions:
Hereditary sensory and autonomic neuropathy type 7. Also called: HSAN VII; Neuropathy, hereditary sensory and autonomic, type VII. Identifiers: Orphanet 391397, MedGen C3809882, MONDO:0014244, OMIM 615548.
Familial episodic pain syndrome with predominantly lower limb involvement. Also called: Episodic pain syndrome, familial, 3. Identifiers: Orphanet 391384, Orphanet 391392, MedGen C3809899, MONDO:0014247, OMIM 615552.

Allele frequency attached by ClinVar (database versions not stated): gnomAD exomes below 0.00001 and 0.00001; TOPMed below 0.00001; gnomAD 0.00001.
gnomAD v4.1: 16 of 1,521,600 alleles (0.0011%); highest among the groups gnomAD compares: Non-Finnish European, 0.0014%; no homozygotes.

Submission:

Labcorp Genetics (formerly Invitae), Labcorp
Classification: Uncertain significance for Familial episodic pain syndrome with predominantly lower limb involvement; Hereditary sensory and autonomic neuropathy type 7. Last evaluated: 2024-03-16. Review status: criteria provided, single submitter. Criteria: Invitae Variant Classification Sherloc (09022015). Collection method: clinical testing. Allele origin: germline.
Comment: This sequence change replaces leucine, which is neutral and non-polar, with proline, which is neutral and non-polar, at codon 78 of the SCN11A protein (p.Leu78Pro). This variant is present in population databases (no rsID available, gnomAD 0.0009%). This variant has not been reported in the literature in individuals affected with SCN11A-related conditions. ClinVar contains an entry for this variant (Variation ID: 573398). Advanced modeling of protein sequence and biophysical properties (such as structural, functional, and spatial information, amino acid conservation, physicochemical variation, residue mobility, and thermodynamic stability) performed at Invitae indicates that this missense variant is expected to disrupt SCN11A protein function with a positive predictive value of 80%. In summary, the available evidence is currently insufficient to determine the role of this variant in disease. Therefore, it has been classified as a Variant of Uncertain Significance.

NM_001349253.2(SCN11A):c.233T>C (p.Leu78Pro)

Gene: SCN11A (sodium voltage-gated channel alpha subunit 11; minus strand). Cytogenetic location: 3p22.2.
Variant type: single nucleotide variant.
Coding change: c.233T>C on transcript NM_001349253.2 (MANE Select); coding-DNA position 233, T replaced by C.
Protein change: p.Leu78Pro; replaces leucine 78 with proline.
Molecular consequence: missense variant.
Genome position (GRCh38, 1-based): chr3:38,950,130, A>G on the plus strand (T>C on the coding strand, the complement: SCN11A is on the minus strand). VCF-style: chr3-38950130-A-G. GRCh37 (hg19) VCF-style: chr3-38991621-A-G.
Other names: c.233T>C, p.Leu78Pro (NM_014139.3); short protein forms L78P.
Identifiers: ClinVar variation 573398 (VCV000573398.5), dbSNP rs1191209828, ClinGen allele CA352176524.
Genomic context (GRCh38, chr3:38,950,130, plus strand): 5'-CCCCCCCCCCCCGCCCAATGAAGTACCTTATGATTTCGGTAGAATGGGTCCAAGTCTTCC[A>G]GAGGCTTTCCTATGAGCTCACGAGGAATGTCGCCATAGAGCTTGGGCAACTTCCTGGAGG-3'
Protein context (NP_001336182.1, residues 68-88): DIPRELIGKP[Leu78Pro]EDLDPFYRNH